The following is an entry in ClinVar:

ClinVar aggregate classification (germline): Uncertain significance (1 of 4 stars; one submission).

gnomAD v4.1: 21 of 1,611,856 alleles (0.0013%); highest among the groups gnomAD compares: African/African-American, 0.0013%; no homozygotes.

Submission:

Labcorp Genetics (formerly Invitae), Labcorp
Classification: Uncertain significance. Last evaluated: 2025-01-14. Review status: criteria provided, single submitter. Criteria: Invitae Variant Classification Sherloc (09022015). Collection method: clinical testing. Allele origin: germline.
Comment: This sequence change replaces glycine, which is neutral and non-polar, with serine, which is neutral and polar, at codon 491 of the NEDD4L protein (p.Gly491Ser). This variant is present in population databases (rs755796418, gnomAD 0.03%). This variant has not been reported in the literature in individuals affected with NEDD4L-related conditions. Invitae Evidence Modeling of protein sequence and biophysical properties (such as structural, functional, and spatial information, amino acid conservation, physicochemical variation, residue mobility, and thermodynamic stability) indicates that this missense variant is not expected to disrupt NEDD4L protein function with a negative predictive value of 80%. In summary, the available evidence is currently insufficient to determine the role of this variant in disease. Therefore, it has been classified as a Variant of Uncertain Significance.

NM_001144967.3(NEDD4L):c.1531G>A (p.Gly511Ser)

Gene: NEDD4L (NEDD4 like E3 ubiquitin protein ligase; plus strand). Cytogenetic location: 18q21.31.
Variant type: single nucleotide variant.
Coding change: c.1531G>A on transcript NM_001144967.3 (MANE Select); coding-DNA position 1531, G replaced by A.
Protein change: p.Gly511Ser; replaces glycine 511 with serine.
Molecular consequence: missense variant.
Genome position (GRCh38, 1-based): chr18:58,343,059, G>A. VCF-style: chr18-58343059-G-A. GRCh37 (hg19) VCF-style: chr18-56010291-G-A.
Other names: c.1168G>A, p.Gly390Ser (NM_001144964.1, NM_001144965.2, NM_001144966.3); c.1507G>A, p.Gly503Ser (NM_001144968.2); c.1447G>A, p.Gly483Ser (NM_001144969.2); c.1108G>A, p.Gly370Ser (NM_001144970.3, NM_001144971.2); c.1339G>A, p.Gly447Ser (NM_001243960.2); c.1471G>A, p.Gly491Ser (NM_015277.6); short protein forms G390S, G491S, G447S, G503S, G511S, G370S, G483S.
Identifiers: ClinVar variation 3703332 (VCV003703332.2).
Genomic context (GRCh38, chr18:58,343,059, plus strand): 5'-CAACACAAAGTCACACAGAGCTTCTTGCCACCCGGCTGGGAAATGAGGATAGCGCCAAAC[G>A]GCCGGCCCTTCTTCATTGATCATAACACAAAGACTACAACCTGGGTAAGGCTGCTGCTTT-3'
Protein context (NP_001138439.1, residues 501-521): PGWEMRIAPN[Gly511Ser]RPFFIDHNTK